The following is an entry in ClinVar:

NM_007126.5(VCP):c.1349A>T (p.Asp450Val)

Gene: VCP (valosin containing protein; minus strand). Cytogenetic location: 9p13.3.
Variant type: single nucleotide variant.
Coding change: c.1349A>T on transcript NM_007126.5 (MANE Select); coding-DNA position 1349, A replaced by T.
Protein change: p.Asp450Val; replaces aspartic acid 450 with valine.
Molecular consequence: missense variant.
Genome position (GRCh38, 1-based): chr9:35,061,025, T>A on the plus strand (A>T on the coding strand, the complement: VCP is on the minus strand). VCF-style: chr9-35061025-T-A. GRCh37 (hg19) VCF-style: chr9-35061022-T-A.
Other names: c.1214A>T, p.Asp405Val (NM_001354927.2, NM_001354928.2); short protein forms D405V, D450V.
Identifiers: ClinVar variation 873524 (VCV000873524.4), dbSNP rs1828711704, ClinGen allele CA373281755.

ClinVar aggregate classification (germline): Uncertain significance (1 of 4 stars; one submission).

Conditions:
VCP-related multisystem proteinopathy.

Submission:

Illumina Laboratory Services, Illumina
Classification: Uncertain significance for VCP-related multisystem proteinopathy. Last evaluated: 2020-01-13. Review status: criteria provided, single submitter. Criteria: ICSLVariantClassificationCriteria RUGD 01 April 2020. Collection method: clinical testing. Allele origin: unknown.
Comment: The VCP c.1349A>T (p.Asp450Val) variant is a missense variant. A literature search was performed for the gene, cDNA change, and amino acid change. No publications were found based on this search. This variant is not found in the Genome Aggregation Database in a region of good sequence coverage, so the variant is presumed to be rare. Based on the limited evidence, the p.Asp450Val is classified as a variant of unknown significance for VCP-related multisystem proteinopathy.